The following is an entry in ClinVar:

ClinVar aggregate classification (germline): Likely benign. Review status: criteria provided, single submitter (1 of 4 stars). 3 submissions from 3 submitters: Likely benign (1). 2 of the submissions do not count toward it. Last evaluated 2026-01-26.

Conditions:
SUMF1-related disorder. Also called: SUMF1-related condition.
Multiple sulfatase deficiency (MSD). Also called: Mucosulfatidosis; Multiple Sulfatase Deficiency Disease; Sulfatidosis, Juvenile, Austin Type. Identifiers: Orphanet 585, MedGen C0268263, MONDO:0010088, OMIM 272200.

Allele frequency attached by ClinVar (database versions not stated): gnomAD exomes 0.00008 and 0.00021; ExAC 0.00024; gnomAD 0.00073 and 0.00080; TOPMed 0.00077; 1000 Genomes Project 0.00080; 1000 Genomes Project 30x 0.00109; ESP Exome Variant Server 0.00123.
gnomAD v4.1: 231 of 1,613,954 alleles (0.014%); highest among the groups gnomAD compares: African/African-American, 0.26%; no homozygotes.

Submissions (3):

Labcorp Genetics (formerly Invitae), Labcorp
Classification: Likely benign for Multiple sulfatase deficiency. Last evaluated: 2026-01-26. Review status: criteria provided, single submitter. Criteria: Invitae Variant Classification Sherloc (09022015). Collection method: clinical testing. Allele origin: germline.

PreventionGenetics, part of Exact Sciences
Classification: Likely benign for SUMF1-related condition. Last evaluated: 2022-04-11. Review status: no assertion criteria provided. Collection method: clinical testing. Allele origin: germline. Not counted in ClinVar's aggregate classification.
Comment: This variant is classified as likely benign based on ACMG/AMP sequence variant interpretation guidelines (Richards et al. 2015 PMID: 25741868, with internal and published modifications).

Natera, Inc.
Classification: Likely benign for Multiple sulfatase deficiency. Last evaluated: 2020-04-23. Review status: no assertion criteria provided. Collection method: clinical testing. Allele origin: germline. Not counted in ClinVar's aggregate classification.

NM_182760.4(SUMF1):c.722A>G (p.Asn241Ser)

Gene: SUMF1 (sulfatase modifying factor 1; minus strand). Cytogenetic location: 3p26.1.
Variant type: single nucleotide variant.
Coding change: c.722A>G on transcript NM_182760.4 (MANE Select); coding-DNA position 722, A replaced by G.
Protein change: p.Asn241Ser; replaces asparagine 241 with serine.
Molecular consequence: missense variant.
Genome position (GRCh38, 1-based): chr3:4,418,013, T>C on the plus strand (A>G on the coding strand, the complement: SUMF1 is on the minus strand). VCF-style: chr3-4418013-T-C. GRCh37 (hg19) VCF-style: chr3-4459697-T-C.
Other names: c.647A>G, p.Asn216Ser (NM_001164674.2); c.722A>G, p.Asn241Ser (NM_001164675.2); short protein forms N216S, N241S.
Identifiers: ClinVar variation 729668 (VCV000729668.13), dbSNP rs138045351, ClinGen allele CA2230489.